The following is an entry in ClinVar:

NM_001242896.3(DEPDC5):c.1274T>C (p.Leu425Pro)

Gene: DEPDC5 (DEP domain containing 5, GATOR1 subcomplex subunit; plus strand). Cytogenetic location: 22q12.3.
Variant type: single nucleotide variant.
Coding change: c.1274T>C on transcript NM_001242896.3 (MANE Select); coding-DNA position 1274, T replaced by C.
Protein change: p.Leu425Pro; replaces leucine 425 with proline.
Molecular consequence: missense variant. On other transcripts: non-coding transcript variant (5).
Genome position (GRCh38, 1-based): chr22:31,806,178, T>C. VCF-style: chr22-31806178-T-C. GRCh37 (hg19) VCF-style: chr22-32202164-T-C.
Other names: c.1274T>C, p.Leu425Pro (NM_014662.6, NM_001007188.4, NM_001136029.4 and 7 more transcripts); c.1190T>C, p.Leu397Pro (NM_001369901.1, NM_001369902.1); short protein forms L397P, L425P.
Identifiers: ClinVar variation 1341924 (VCV001341924.3), dbSNP rs2148665735, ClinGen allele CA411276438.

ClinVar aggregate classification (germline): Uncertain significance. Review status: criteria provided, multiple submitters, no conflicts (2 of 4 stars). 2 submissions from 2 submitters: Uncertain significance (2). Last evaluated 2020-07-02.

Conditions:
Inborn genetic diseases. Identifiers: MedGen C0950123, MeSH D030342.
Epilepsy, familial focal, with variable foci 1 (FFEVF1). Also called: DEPDC5-Related Epilepsy. Identifiers: MedGen C4551983, MONDO:0024556, OMIM 604364.

Submissions (2):

New York Genome Center
Classification: Uncertain significance for Epilepsy, familial focal, with variable foci 1. Last evaluated: 2020-07-02. Review status: criteria provided, single submitter. Criteria: NYGC Assertion Criteria 2020. Collection method: clinical testing. Allele origin: inherited. Observed: 1 heterozygote. Study: CSER-NYCKidSeq.
Comment: The inherited heterozygous p.Leu425Pro variant identified in DEPDC5 has not been reported in affected individuals in the literature to the best of our knowledge. The variant is absent from the gnomAD database indicating it is an extremely rare allele in the general population. The affected residue is evolutionarily conserved. In silico prediction tools provide conflicting interpretations about potential pathogenicity of this variant. Based on the current evidence, the p.Leu425Pro variant in the DEPDC5 gene is assessed as a variant of uncertain significance.

Ambry Genetics
Classification: Uncertain significance for Inborn genetic diseases. Last evaluated: 2019-01-07. Review status: criteria provided, single submitter. Criteria: Ambry Variant Classification Scheme 2023. Collection method: clinical testing. Allele origin: germline.
Comment: The p.L425P variant (also known as c.1274T>C), located in coding exon 17 of the DEPDC5 gene, results from a T to C substitution at nucleotide position 1274. The leucine at codon 425 is replaced by proline, an amino acid with similar properties. This amino acid position is highly conserved in available vertebrate species. In addition, this alteration is predicted to be deleterious by in silico analysis. Since supporting evidence is limited at this time, the clinical significance of this alteration remains unclear.